The following is an entry in ClinVar:

ClinVar aggregate classification (germline): Pathogenic (1 of 4 stars; one submission).

Conditions:
Arrhythmogenic cardiomyopathy with wooly hair and keratoderma. Also called: Dilated cardiomyopathy with woolly hair and keratoderma; Arrhythmogenic cardiomyopathy with woolly hair and keratoderma; Carvajal syndrome; PALMOPLANTAR KERATODERMA WITH LEFT VENTRICULAR CARDIOMYOPATHY AND WOOLLY HAIR. Identifiers: Orphanet 65282, MedGen C1854063, MONDO:0011581, OMIM 605676.
Arrhythmogenic right ventricular dysplasia 8 (ARVD8). Also called: Arrhythmogenic Right Ventricular Dysplasia/Cardiomyopathy 8; ARRHYTHMOGENIC RIGHT VENTRICULAR DYSPLASIA, FAMILIAL, 8; ARRHYTHMOGENIC RIGHT VENTRICULAR CARDIOMYOPATHY 8. Identifiers: MedGen C1843896, MONDO:0011831, OMIM 607450.

Submission:

Labcorp Genetics (formerly Invitae), Labcorp
Classification: Pathogenic for Arrhythmogenic cardiomyopathy with wooly hair and keratoderma; Arrhythmogenic right ventricular dysplasia 8. Last evaluated: 2022-01-26. Review status: criteria provided, single submitter. Criteria: Invitae Variant Classification Sherloc (09022015). Collection method: clinical testing. Allele origin: germline.
Comment: For these reasons, this variant has been classified as Pathogenic. Algorithms developed to predict the effect of missense changes on protein structure and function (SIFT, PolyPhen-2, Align-GVGD) all suggest that this variant is likely to be tolerated. This variant has not been reported in the literature in individuals affected with DSP-related conditions. This variant is not present in population databases (gnomAD no frequency). This sequence change creates a premature translational stop signal (p.Lys949Asnfs*28) in the DSP gene. It is expected to result in an absent or disrupted protein product. Loss-of-function variants in DSP are known to be pathogenic (PMID: 20716751, 24503780, 25227139).

Literature cited by the submitters: PubMed 20716751; PubMed 24503780; PubMed 25227139.

NM_004415.4(DSP):c.2847_2848delinsT (p.Lys949fs)

Gene: DSP (desmoplakin; plus strand). Cytogenetic location: 6p24.3.
Variant type: Indel.
Coding change: c.2847_2848delinsT on transcript NM_004415.4 (MANE Select); coding-DNA positions 2847 to 2848, AA replaced by T.
Protein change: p.Lys949fs; shifts the reading frame from lysine 949.
Molecular consequence: frameshift variant.
Genome position (GRCh38, 1-based): chr6:7,577,012-7,577,013, AA replaced by T. VCF-style: chr6-7577012-AA-T. GRCh37 (hg19) VCF-style: chr6-7577245-AA-T.
Other names: c.2847_2848delinsT, p.Lys949fs (NM_001008844.3, NM_001319034.2); short protein forms K949fs.
Identifiers: ClinVar variation 2086672 (VCV002086672.4), dbSNP rs2533914000, ClinGen allele CA2580075385.